The following is an entry in ClinVar:

NM_012193.4(FZD4):c.*2660C>T

Genes: PRSS23 (serine protease 23; plus strand), FZD4 (frizzled class receptor 4; minus strand). Cytogenetic location: 11q14.2.
Variant type: single nucleotide variant.
Coding change: c.*2660C>T on transcript NM_012193.4 (MANE Select); 2660 bases downstream of the stop codon, C replaced by T.
Molecular consequence: 3 prime UTR variant.
Genome position (GRCh38, 1-based): chr11:86,948,482, G>A on the plus strand (C>T on the coding strand, the complement: FZD4 is on the minus strand). VCF-style: chr11-86948482-G-A. GRCh37 (hg19) VCF-style: chr11-86659524-G-A.
Identifiers: ClinVar variation 306370 (VCV000306370.6), dbSNP rs11234890, ClinGen allele CA10639585.

ClinVar aggregate classification (germline): Benign. Review status: criteria provided, multiple submitters, no conflicts (2 of 4 stars). 2 submissions from 2 submitters: Benign (2). Last evaluated 2018-01-13.

Conditions:
Exudative vitreoretinopathy 1 (EVR1). Also called: CRISWICK-SCHEPENS SYNDROME; FEVR, AUTOSOMAL DOMINANT; Familial exudative vitreoretinopathy, autosomal dominant. Identifiers: Orphanet 891, Orphanet 90050, MedGen C1851402, MONDO:0007589, OMIM 133780.

Allele frequency attached by ClinVar (database versions not stated): gnomAD 0.01129 and 0.01277; TOPMed 0.01245; 1000 Genomes Project 0.01857; 1000 Genomes Project 30x 0.01874.

Submissions (2):

Illumina Laboratory Services, Illumina
Classification: Benign for Exudative vitreoretinopathy 1. Last evaluated: 2018-01-13. Review status: criteria provided, single submitter. Criteria: ICSL Variant Classification Criteria 13 December 2019. Collection method: clinical testing. Allele origin: germline.
Comment: This variant was observed in the ICSL laboratory as part of a predisposition screen in an ostensibly healthy population. It had not been previously curated by ICSL or reported in the Human Gene Mutation Database (HGMD: prior to June 1st, 2018), and was therefore a candidate for classification through an automated scoring system. Utilizing variant allele frequency, disease prevalence and penetrance estimates, and inheritance mode, an automated score was calculated to assess if this variant is too frequent to cause the disease. Based on the score and internal cut-off values, a variant classified as benign is not then subjected to further curation. The score for this variant resulted in a classification of benign for this disease.

Breakthrough Genomics
Classification: Benign. Review status: criteria provided, single submitter. Criteria: ACMG Guidelines, 2015. Collection method: not provided. Allele origin: germline. Inheritance: Autosomal dominant inheritance. Affected: yes.